The following is an entry in ClinVar:

ClinVar aggregate classification (germline): Conflicting classifications of pathogenicity. Review status: criteria provided, conflicting classifications (1 of 4 stars). 2 submissions from 2 submitters: Uncertain significance (1); Likely benign (1). Last evaluated 2022-11-07.

Conditions:
Congenital myasthenic syndrome 8. Also called: MYASTHENIC SYNDROME, CONGENITAL, DUE TO AGRIN DEFICIENCY; Myasthenic syndrome, congenital, 8, with pre- and postsynaptic defects. Identifiers: Orphanet 590, MedGen C3808739, MONDO:0014052, OMIM 615120.
Inborn genetic diseases. Identifiers: MedGen C0950123, MeSH D030342.

Allele frequency attached by ClinVar (database versions not stated): TOPMed 0.00002; gnomAD 0.00004.

Submissions (2):

Labcorp Genetics (formerly Invitae), Labcorp
Classification: Uncertain significance for Congenital myasthenic syndrome 8. Last evaluated: 2022-11-07. Review status: criteria provided, single submitter. Criteria: Invitae Variant Classification Sherloc (09022015). Collection method: clinical testing. Allele origin: germline.
Comment: This variant is present in population databases (no rsID available, gnomAD 0.01%). This sequence change replaces alanine, which is neutral and non-polar, with valine, which is neutral and non-polar, at codon 493 of the AGRN protein (p.Ala493Val). This variant has not been reported in the literature in individuals affected with AGRN-related conditions. Algorithms developed to predict the effect of missense changes on protein structure and function output the following: SIFT: "Tolerated"; PolyPhen-2: "Possibly Damaging"; Align-GVGD: "Class C0". The valine amino acid residue is found in multiple mammalian species, which suggests that this missense change does not adversely affect protein function. Algorithms developed to predict the effect of sequence changes on RNA splicing suggest that this variant may create or strengthen a splice site. In summary, the available evidence is currently insufficient to determine the role of this variant in disease. Therefore, it has been classified as a Variant of Uncertain Significance.

Ambry Genetics
Classification: Likely benign for Inborn genetic diseases. Last evaluated: 2021-10-20. Review status: criteria provided, single submitter. Criteria: Ambry Variant Classification Scheme 2023. Collection method: clinical testing. Allele origin: germline.

NM_198576.4(AGRN):c.1478C>T (p.Ala493Val)

Gene: AGRN (agrin; plus strand). Cytogenetic location: 1p36.33.
Variant type: single nucleotide variant.
Coding change: c.1478C>T on transcript NM_198576.4 (MANE Select); coding-DNA position 1478, C replaced by T.
Protein change: p.Ala493Val; replaces alanine 493 with valine.
Molecular consequence: missense variant.
Genome position (GRCh38, 1-based): chr1:1,043,332, C>T. VCF-style: chr1-1043332-C-T. GRCh37 (hg19) VCF-style: chr1-978712-C-T.
Other names: c.1478C>T, p.Ala493Val (NM_001305275.2); c.1163C>T, p.Ala388Val (NM_001364727.2); short protein forms A493V, A388V.
Identifiers: ClinVar variation 2255877 (VCV002255877.4), dbSNP rs1295689490, ClinGen allele CA337830808.
Genomic context (GRCh38, chr1:1,043,332, plus strand): 5'-GTGCATTTGGGGCGACGTGTGCTGTGAAGAACGGGCAGGCAGCGTGTGAATGCCTGCAGG[C>T]GTGCTCGAGCCTCTACGATCCTGTGTGCGGCAGCGACGGCGTCACATACGGCAGCGCGTG-3'
Protein context (NP_940978.2, residues 483-503): NGQAACECLQ[Ala493Val]CSSLYDPVCG